The following is an entry in ClinVar:

NM_001130082.3(PLXNB1):c.696C>T (p.Phe232=)

Gene: PLXNB1 (plexin B1; minus strand). Cytogenetic location: 3p21.31.
Variant type: single nucleotide variant.
Coding change: c.696C>T on transcript NM_001130082.3 (MANE Select); coding-DNA position 696, C replaced by T.
Protein change: p.Phe232=; no amino-acid change (phenylalanine 232 retained).
Molecular consequence: synonymous variant.
Genome position (GRCh38, 1-based): chr3:48,423,916, G>A on the plus strand (C>T on the coding strand, the complement: PLXNB1 is on the minus strand). VCF-style: chr3-48423916-G-A. GRCh37 (hg19) VCF-style: chr3-48465325-G-A.
Other names: c.696C>T, p.Phe232= (NM_002673.6).
Identifiers: ClinVar variation 3057922 (VCV003057922.2), dbSNP rs377100211, ClinGen allele CA2375301.

ClinVar aggregate classification (germline): Likely benign (0 of 4 stars; one submission).

Conditions:
PLXNB1-related disorder. Also called: PLXNB1-related condition.

Allele frequency attached by ClinVar (database versions not stated): gnomAD 0.00006; TOPMed 0.00010; ExAC 0.00013; 1000 Genomes Project 0.00040; 1000 Genomes Project 30x 0.00047.
gnomAD v4.1: 88 of 1,614,178 alleles (0.0055%); highest among the groups gnomAD compares: East Asian, 0.11%; no homozygotes.

Submission:

PreventionGenetics, part of Exact Sciences
Classification: Likely benign for PLXNB1-related condition. Last evaluated: 2019-02-28. Review status: no assertion criteria provided. Collection method: clinical testing. Allele origin: germline.
Comment: This variant is classified as likely benign based on ACMG/AMP sequence variant interpretation guidelines (Richards et al. 2015 PMID: 25741868, with internal and published modifications).